The following is an entry in ClinVar:

NM_005996.4(TBX3):c.1237C>G (p.Pro413Ala)

Gene: TBX3 (T-box transcription factor 3; minus strand). Cytogenetic location: 12q24.21.
Variant type: single nucleotide variant.
Coding change: c.1237C>G on transcript NM_005996.4 (MANE Select); coding-DNA position 1237, C replaced by G.
Protein change: p.Pro413Ala; replaces proline 413 with alanine.
Molecular consequence: missense variant.
Genome position (GRCh38, 1-based): chr12:114,674,638, G>C on the plus strand (C>G on the coding strand, the complement: TBX3 is on the minus strand). VCF-style: chr12-114674638-G-C. GRCh37 (hg19) VCF-style: chr12-115112443-G-C.
Other names: c.1297C>G, p.Pro433Ala (NM_016569.4); short protein forms P433A, P413A.
Identifiers: ClinVar variation 4998642 (VCV004998642.1).

ClinVar aggregate classification (germline): Uncertain significance (1 of 4 stars; one submission).

Conditions:
TBX3-related disorder. Also called: TBX3-related condition.

gnomAD v4.1: 9 of 1,606,670 alleles (0.00056%); highest among the groups gnomAD compares: South Asian, 0.0022%; no homozygotes.

Submission:

PreventionGenetics, part of Exact Sciences
Classification: Uncertain significance for TBX3-related condition. Last evaluated: 2025-10-02. Review status: criteria provided, single submitter. Criteria: ACMG Guidelines, 2015. Collection method: clinical testing. Allele origin: germline.
Comment: The TBX3 c.1297C>G variant is predicted to result in the amino acid substitution p.Pro433Ala. To our knowledge, this variant has not been reported in the literature. This variant is reported in 0.0033% of alleles in individuals of South Asian descent in gnomAD. Although we suspect that this variant may be benign, at this time, the clinical significance of this variant is uncertain due to the absence of conclusive functional and genetic evidence.